The following is an entry in ClinVar:

ClinVar aggregate classification (germline): Uncertain significance (1 of 4 stars; one submission).

Conditions:
Catecholaminergic polymorphic ventricular tachycardia 1. Also called: VENTRICULAR TACHYCARDIA, CATECHOLAMINERGIC POLYMORPHIC, 1, WITH OR WITHOUT ATRIAL DYSFUNCTION AND/OR DILATED CARDIOMYOPATHY; RYR2-Related Catecholaminergic Polymorphic Ventricular Tachycardia; VENTRICULAR TACHYCARDIA, STRESS-INDUCED POLYMORPHIC 1. Identifiers: Orphanet 3286, MedGen C1631597, MONDO:0011484, OMIM 604772.

Allele frequency attached by ClinVar (database versions not stated): gnomAD exomes below 0.00001; gnomAD 0.00001; TOPMed 0.00001.
gnomAD v4.1: 2 of 1,607,594 alleles (0.00012%); highest among the groups gnomAD compares: African/African-American, 0.0013%; no homozygotes.

Submission:

Labcorp Genetics (formerly Invitae), Labcorp
Classification: Uncertain significance for Catecholaminergic polymorphic ventricular tachycardia 1. Last evaluated: 2023-08-11. Review status: criteria provided, single submitter. Criteria: Invitae Variant Classification Sherloc (09022015). Collection method: clinical testing. Allele origin: germline.
Comment: In summary, the available evidence is currently insufficient to determine the role of this variant in disease. Therefore, it has been classified as a Variant of Uncertain Significance. Advanced modeling of protein sequence and biophysical properties (such as structural, functional, and spatial information, amino acid conservation, physicochemical variation, residue mobility, and thermodynamic stability) performed at Invitae indicates that this missense variant is not expected to disrupt RYR2 protein function. This missense change has been observed in individual(s) with unspecified arrhythmia (PMID: 30847666). This variant is not present in population databases (gnomAD no frequency). This sequence change replaces serine, which is neutral and polar, with phenylalanine, which is neutral and non-polar, at codon 3153 of the RYR2 protein (p.Ser3153Phe).

Literature cited by the submitters: PubMed 30847666.

NM_001035.3(RYR2):c.9458C>T (p.Ser3153Phe)

Gene: RYR2 (ryanodine receptor 2; plus strand). Cytogenetic location: 1q43.
Variant type: single nucleotide variant.
Coding change: c.9458C>T on transcript NM_001035.3 (MANE Select); coding-DNA position 9458, C replaced by T.
Protein change: p.Ser3153Phe; replaces serine 3153 with phenylalanine.
Molecular consequence: missense variant.
Genome position (GRCh38, 1-based): chr1:237,705,221, C>T. VCF-style: chr1-237705221-C-T. GRCh37 (hg19) VCF-style: chr1-237868521-C-T.
Other names: short protein forms S3153F.
Identifiers: ClinVar variation 2981247 (VCV002981247.3), dbSNP rs1211197020, ClinGen allele CA345407482.